The following is an entry in ClinVar:

ClinVar aggregate classification (germline): Likely benign (0 of 4 stars; one submission).

Conditions:
EFCAB5-related disorder. Also called: EFCAB5-related condition.

Allele frequency attached by ClinVar (database versions not stated): gnomAD exomes below 0.00001.
gnomAD v4.1: 1 of 1,580,268 alleles (0.000063%); highest among the groups gnomAD compares: African/African-American, 0.0013%; no homozygotes.

Submission:

PreventionGenetics, part of Exact Sciences
Classification: Likely benign for EFCAB5-related condition. Last evaluated: 2019-03-25. Review status: no assertion criteria provided. Collection method: clinical testing. Allele origin: germline.
Comment: This variant is classified as likely benign based on ACMG/AMP sequence variant interpretation guidelines (Richards et al. 2015 PMID: 25741868, with internal and published modifications).

NM_198529.4(EFCAB5):c.3198-8T>C

Gene: EFCAB5 (EF-hand calcium binding domain 5; plus strand). Cytogenetic location: 17q11.2.
Variant type: single nucleotide variant.
Coding change: c.3198-8T>C on transcript NM_198529.4 (MANE Select); 8 bases into the intron before coding-DNA position 3198, T replaced by C.
Molecular consequence: intron variant.
Genome position (GRCh38, 1-based): chr17:30,080,745, T>C. VCF-style: chr17-30080745-T-C. GRCh37 (hg19) VCF-style: chr17-28407763-T-C.
Identifiers: ClinVar variation 3046843 (VCV003046843.2), dbSNP rs2509426429, ClinGen allele CA2636992603.
Genomic context (GRCh38, chr17:30,080,745, plus strand): 5'-TTTCCTCCATGGTTTAATCTAAATCTCTCCCTGTGCCTTTCTTCCATCCTCATACTCTTT[T>C]TCCTCAGCTTTACAGTAGTGGATGAAGGGAAGCCAATCCATGTTCCCCAAGTTCAGTACC-3'